The following is an entry in ClinVar:

NC_000007.13:g.(?_21582864)_(21584787_?)del

Gene: DNAH11 (dynein axonemal heavy chain 11; plus strand). Cytogenetic location: 7p15.3.
Variant type: Deletion.
Identifiers: ClinVar variation 3245628 (VCV003245628.1).

ClinVar aggregate classification (germline): Pathogenic (1 of 4 stars; one submission).

Conditions:
Primary ciliary dyskinesia. Also called: Ciliary dyskinesia. Identifiers: Orphanet 244, MedGen C0008780, MONDO:0016575, HP:0012265.

Submission:

Labcorp Genetics (formerly Invitae), Labcorp
Classification: Pathogenic for Primary ciliary dyskinesia. Last evaluated: 2023-12-30. Review status: criteria provided, single submitter. Criteria: Invitae Variant Classification Sherloc (09022015). Collection method: clinical testing. Allele origin: unknown.
Comment: This variant is a gross deletion of the genomic region encompassing exon(s) 1-2 of the DNAH11 gene, which includes the initiator codon. This deletion extends beyond the assayed region for this gene and therefore may encompass additional genes. It is expected to result in an absent or disrupted protein product. Loss-of-function variants in DNAH11 are known to be pathogenic (PMID: 18022865, 20513915, 22184204). This variant has not been reported in the literature in individuals affected with DNAH11-related conditions. For these reasons, this variant has been classified as Pathogenic.

Literature cited by the submitters: PubMed 18022865; PubMed 20513915; PubMed 22184204.